The following is an entry in ClinVar:

NM_000268.4(NF2):c.1028A>C (p.Lys343Thr)

Gene: NF2 (NF2, moesin-ezrin-radixin like (MERLIN) tumor suppressor; plus strand). Cytogenetic location: 22q12.2.
Variant type: single nucleotide variant.
Coding change: c.1028A>C on transcript NM_000268.4 (MANE Select); coding-DNA position 1028, A replaced by C.
Protein change: p.Lys343Thr; replaces lysine 343 with threonine.
Molecular consequence: missense variant. On other transcripts: intron variant (1).
Genome position (GRCh38, 1-based): chr22:29,671,854, A>C. VCF-style: chr22-29671854-A-C. GRCh37 (hg19) VCF-style: chr22-30067843-A-C.
Other names: c.914A>C, p.Lys305Thr (NM_001407053.1, NM_001407056.1); c.905A>C, p.Lys302Thr (NM_001407054.1, NM_001407058.1, NM_181829.3); c.902A>C, p.Lys301Thr (NM_001407055.1, NM_181828.3); c.893A>C, p.Lys298Thr (NM_001407057.1, NM_001407059.1); c.1028A>C, p.Lys343Thr (NM_001407060.1, NM_001407066.1, NM_016418.5 and 2 more transcripts); c.770A>C, p.Lys257Thr (NM_001407062.1); c.779A>C, p.Lys260Thr (NM_001407063.1, NM_001407064.1, NM_181830.3 and 1 more transcripts); c.494A>C, p.Lys165Thr (NM_001407065.1); and 2 more; short protein forms K260T, K302T, K298T, K305T, K343T, K257T, K266T, K165T.
Identifiers: ClinVar variation 2453831 (VCV002453831.2), dbSNP rs2147071894, ClinGen allele CA411146795.

ClinVar aggregate classification (germline): Uncertain significance (1 of 4 stars; one submission).

Conditions:
Hereditary cancer-predisposing syndrome. Also called: Neoplastic Syndromes, Hereditary; Hereditary neoplastic syndrome; Tumor predisposition; Hereditary Cancer Syndrome. Identifiers: Orphanet 140162, MedGen C0027672, MeSH D009386, MONDO:0015356.

Submission:

Ambry Genetics
Classification: Uncertain significance for Hereditary cancer-predisposing syndrome. Last evaluated: 2023-01-05. Review status: criteria provided, single submitter. Criteria: Ambry Variant Classification Scheme 2023. Collection method: clinical testing. Allele origin: germline.
Comment: The p.K343T variant (also known as c.1028A>C), located in coding exon 11 of the NF2 gene, results from an A to C substitution at nucleotide position 1028. The lysine at codon 343 is replaced by threonine, an amino acid with similar properties. This amino acid position is conserved. In addition, the in silico prediction for this alteration is inconclusive. Since supporting evidence is limited at this time, the clinical significance of this alteration remains unclear.